The following is an entry in ClinVar:

NM_000744.7(CHRNA4):c.462G>A (p.Pro154=)

Gene: CHRNA4 (cholinergic receptor nicotinic alpha 4 subunit; minus strand). Cytogenetic location: 20q13.33.
Variant type: single nucleotide variant.
Coding change: c.462G>A on transcript NM_000744.7 (MANE Select); coding-DNA position 462, G replaced by A.
Protein change: p.Pro154=; no amino-acid change (proline 154 retained).
Molecular consequence: synonymous variant. On other transcripts: 5 prime UTR variant (1), non-coding transcript variant (1).
Genome position (GRCh38, 1-based): chr20:63,350,949, C>T on the plus strand (G>A on the coding strand, the complement: CHRNA4 is on the minus strand). VCF-style: chr20-63350949-C-T. GRCh37 (hg19) VCF-style: chr20-61982301-C-T.
Other names: c.-67G>A (NM_001256573.2).
Identifiers: ClinVar variation 98326 (VCV000098326.12), dbSNP rs121912245, ClinGen allele CA150432.

ClinVar aggregate classification (germline): Benign. Review status: criteria provided, multiple submitters, no conflicts (2 of 4 stars). 3 submissions from 3 submitters: Benign (2). 1 of the submissions does not count toward it. Last evaluated 2025-10-13.

Conditions:
Tobacco use disorder. Identifiers: MedGen C0040336.
Familial sleep-related hypermotor epilepsy. Also called: Autosomal Dominant Sleep-Related Hypermotor (Hyperkinetic) Epilepsy. Identifiers: Orphanet 98784, MedGen C3696898, MONDO:0000030.

Allele frequency attached by ClinVar (database versions not stated): ExAC 0.00011; gnomAD 0.00030; 1000 Genomes Project 0.00060; gnomAD exomes 0.00004; TOPMed 0.00046; ESP Exome Variant Server 0.00023; 1000 Genomes Project 30x 0.00062.
gnomAD v4.1: 112 of 1,613,766 alleles (0.0069%); highest among the groups gnomAD compares: African/African-American, 0.11%; 1 homozygote.

Submissions (3):

Labcorp Genetics (formerly Invitae), Labcorp
Classification: Benign. Last evaluated: 2025-10-13. Review status: criteria provided, single submitter. Criteria: Invitae Variant Classification Sherloc (09022015). Collection method: clinical testing. Allele origin: germline.

GeneDx
Classification: Benign. Last evaluated: 2015-07-09. Review status: criteria provided, single submitter. Criteria: GeneDx Variant Classification (06012015). Collection method: clinical testing. Allele origin: germline. Affected: yes.
Comment: This variant is considered likely benign or benign based on one or more of the following criteria: it is a conservative change, it occurs at a poorly conserved position in the protein, it is predicted to be benign by multiple in silico algorithms, and/or has population frequency not consistent with disease.

Psychiatry Genetics Yale University
No classification provided. Review status: no classification provided. Collection method: not provided. Allele origin: somatic. Not counted in ClinVar's aggregate classification.